The following is an entry in ClinVar:

ClinVar aggregate classification (germline): Uncertain significance (1 of 4 stars; one submission).

Submission:

Labcorp Genetics (formerly Invitae), Labcorp
Classification: Uncertain significance. Last evaluated: 2022-10-13. Review status: criteria provided, single submitter. Criteria: Invitae Variant Classification Sherloc (09022015). Collection method: clinical testing. Allele origin: germline.
Comment: In summary, the available evidence is currently insufficient to determine the role of this variant in disease. Therefore, it has been classified as a Variant of Uncertain Significance. Advanced modeling of protein sequence and biophysical properties (such as structural, functional, and spatial information, amino acid conservation, physicochemical variation, residue mobility, and thermodynamic stability) performed at Invitae indicates that this missense variant is not expected to disrupt NEFH protein function. This variant has not been reported in the literature in individuals affected with NEFH-related conditions. This variant is not present in population databases (gnomAD no frequency). This sequence change replaces alanine, which is neutral and non-polar, with proline, which is neutral and non-polar, at codon 528 of the NEFH protein (p.Ala528Pro).

NM_021076.4(NEFH):c.1582G>C (p.Ala528Pro)

Gene: NEFH (neurofilament heavy chain; plus strand). Cytogenetic location: 22q12.2.
Variant type: single nucleotide variant.
Coding change: c.1582G>C on transcript NM_021076.4 (MANE Select); coding-DNA position 1582, G replaced by C.
Protein change: p.Ala528Pro; replaces alanine 528 with proline.
Molecular consequence: missense variant.
Genome position (GRCh38, 1-based): chr22:29,489,222, G>C. VCF-style: chr22-29489222-G-C. GRCh37 (hg19) VCF-style: chr22-29885211-G-C.
Other names: short protein forms A528P.
Identifiers: ClinVar variation 1904943 (VCV001904943.5), dbSNP rs200454779, ClinGen allele CA323087772.